The following is an entry in ClinVar:

NM_001378454.1(ALMS1):c.2182C>T (p.Gln728Ter)

Gene: ALMS1 (ALMS1 centrosome and basal body associated protein; plus strand). Cytogenetic location: 2p13.1.
Variant type: single nucleotide variant.
Coding change: c.2182C>T on transcript NM_001378454.1 (MANE Select); coding-DNA position 2182, C replaced by T.
Protein change: p.Gln728Ter; replaces glutamine 728 with a stop codon.
Molecular consequence: nonsense.
Genome position (GRCh38, 1-based): chr2:73,448,709, C>T. VCF-style: chr2-73448709-C-T. GRCh37 (hg19) VCF-style: chr2-73675836-C-T.
Other names: c.2185C>T, p.Gln729Ter (NM_015120.4); short protein forms Q728*, Q729*.
Identifiers: ClinVar variation 2876980 (VCV002876980.3), dbSNP rs1671859807, ClinGen allele CA347267093.

ClinVar aggregate classification (germline): Pathogenic (1 of 4 stars; one submission).

Conditions:
Alstrom syndrome (ALMS). Identifiers: Orphanet 64, MedGen C0268425, MONDO:0008763, OMIM 203800.

Submission:

Labcorp Genetics (formerly Invitae), Labcorp
Classification: Pathogenic for Alstrom syndrome. Last evaluated: 2023-03-16. Review status: criteria provided, single submitter. Criteria: Invitae Variant Classification Sherloc (09022015). Collection method: clinical testing. Allele origin: germline.
Comment: For these reasons, this variant has been classified as Pathogenic. This variant has not been reported in the literature in individuals affected with ALMS1-related conditions. This variant is not present in population databases (gnomAD no frequency). This sequence change creates a premature translational stop signal (p.Gln729*) in the ALMS1 gene. It is expected to result in an absent or disrupted protein product. Loss-of-function variants in ALMS1 are known to be pathogenic (PMID: 17594715).

Literature cited by the submitters: PubMed 17594715.